The following is an entry in ClinVar:

NM_002907.4(RECQL):c.156T>G (p.Asp52Glu)

Gene: RECQL (RecQ like helicase; minus strand). Cytogenetic location: 12p12.1.
Variant type: single nucleotide variant.
Coding change: c.156T>G on transcript NM_002907.4 (MANE Select); coding-DNA position 156, T replaced by G.
Protein change: p.Asp52Glu; replaces aspartic acid 52 with glutamic acid.
Molecular consequence: missense variant.
Genome position (GRCh38, 1-based): chr12:21,491,577, A>C on the plus strand (T>G on the coding strand, the complement: RECQL is on the minus strand). VCF-style: chr12-21491577-A-C. GRCh37 (hg19) VCF-style: chr12-21644511-A-C.
Other names: c.156T>G (NM_002907.3); c.156T>G, p.Asp52Glu (NM_032941.3); short protein forms D52E.
Identifiers: ClinVar variation 1405022 (VCV001405022.7), dbSNP rs370372327, ClinGen allele CA6479190.

ClinVar aggregate classification (germline): Uncertain significance. Review status: criteria provided, multiple submitters, no conflicts (2 of 4 stars). 2 submissions from 2 submitters: Uncertain significance (2). Last evaluated 2025-06-02.

Allele frequency attached by ClinVar (database versions not stated): ExAC 0.00001; gnomAD 0.00001; gnomAD exomes 0.00001 and 0.00002; TOPMed 0.00002; ESP Exome Variant Server 0.00008.
gnomAD v4.1: 33 of 1,612,968 alleles (0.002%); highest among the groups gnomAD compares: Non-Finnish European, 0.0025%; no homozygotes.

Submissions (2):

Labcorp Genetics (formerly Invitae), Labcorp
Classification: Uncertain significance. Last evaluated: 2025-06-02. Review status: criteria provided, single submitter. Criteria: Invitae Variant Classification Sherloc (09022015). Collection method: clinical testing. Allele origin: germline.
Comment: This sequence change replaces aspartic acid, which is acidic and polar, with glutamic acid, which is acidic and polar, at codon 52 of the RECQL protein (p.Asp52Glu). This variant is present in population databases (rs370372327, gnomAD 0.002%). This missense change has been observed in individual(s) with breast or ovarian cancer (PMID: 29351780). ClinVar contains an entry for this variant (Variation ID: 1405022). An algorithm developed to predict the effect of missense changes on protein structure and function (PolyPhen-2) suggests that this variant is likely to be tolerated. In summary, the available evidence is currently insufficient to determine the role of this variant in disease. Therefore, it has been classified as a Variant of Uncertain Significance.

Quest Diagnostics Nichols Institute San Juan Capistrano
Classification: Uncertain significance. Last evaluated: 2022-12-12. Review status: criteria provided, single submitter. Criteria: Quest Diagnostics criteria. Collection method: clinical testing. Allele origin: unknown.
Comment: The frequency of this variant in the general population, 0.000008 (2/250740 chromosomes), is uninformative in assessment of its pathogenicity. In the published literature, the variant has been reported in individuals with a personal and/or family history of breast and/or ovarian cancer (PMIDs: 29351780 (2018) and 33471991 (2021); LOVD3 Shared). In addition, this variant has been reported in healthy controls (FLOSSIES; PMID: 33471991 (2021); LOVD3 Shared). Analysis of this variant using bioinformatics tools for the prediction of the effect of amino acid changes on protein structure and function yielded predictions that this variant is benign. Based on the available information, we are unable to determine the clinical significance of this variant.

Literature cited by the submitters: PubMed 29351780 (cited by Labcorp Genetics (formerly Invitae), Labcorp and Quest Diagnostics Nichols Institute San Juan Capistrano); PubMed 33471991 (cited by Quest Diagnostics Nichols Institute San Juan Capistrano).